The following is an entry in ClinVar:

ClinVar aggregate classification (germline): Conflicting classifications of pathogenicity. Review status: criteria provided, conflicting classifications (1 of 4 stars). 4 submissions from 4 submitters: Uncertain significance (2); Likely benign (2). Last evaluated 2025-09-17.

Conditions:
Hereditary cancer-predisposing syndrome. Also called: Neoplastic Syndromes, Hereditary; Tumor predisposition; Hereditary Cancer Syndrome; Hereditary neoplastic syndrome. Identifiers: Orphanet 140162, MedGen C0027672, MeSH D009386, MONDO:0015356.

Submissions (4):

Quest Diagnostics Nichols Institute San Juan Capistrano
Classification: Uncertain significance. Last evaluated: 2025-09-17. Review status: criteria provided, single submitter. Criteria: Quest Diagnostics criteria. Collection method: clinical testing. Allele origin: unknown.
Comment: The BRCA2 c.4603G>A (p.Ala1535Thr) variant has not been reported in individuals with BRCA2-related conditions in the published literature. This variant has been reported to be located in a region of the BRCA2 gene that is tolerant to missense sequence changes (PMID: 31911673 (2020)). This variant has not been reported in large, multi-ethnic general populations (Genome Aggregation Database). Analysis of this variant using bioinformatics tools for the prediction of the effect of amino acid changes on protein structure and function yielded predictions that this variant is benign. Based on the available information, we are unable to determine the clinical significance of this variant.

Ambry Genetics
Classification: Likely benign for Hereditary cancer-predisposing syndrome. Last evaluated: 2025-01-19. Review status: criteria provided, single submitter. Criteria: Ambry Variant Classification Scheme 2023. Collection method: clinical testing. Allele origin: germline.

University of Washington Department of Laboratory Medicine, University of Washington
Classification: Likely benign for Hereditary cancer-predisposing syndrome. Last evaluated: 2023-03-23. Review status: criteria provided, single submitter. Criteria: Dines et al. (Genet Med. 2020). Collection method: curation. Allele origin: germline.
Comment: Missense variant in a coldspot region where missense variants are very unlikely to be pathogenic (PMID:31911673).

BRCA2 exon 11 coldspot. Reclassification based on statistical prior probability.

Color Diagnostics, LLC DBA Color Health
Classification: Uncertain significance for Hereditary cancer-predisposing syndrome. Last evaluated: 2019-10-29. Review status: criteria provided, single submitter. Criteria: ACMG Guidelines, 2015. Collection method: clinical testing. Allele origin: germline.
Comment: This missense variant replaces alanine with threonine at codon 1535 of the BRCA2 protein. Computational prediction tool suggests that this variant may not impact protein structure and function (internally defined REVEL score threshold ≤0.5, PMID: 27666373). Splice site prediction tools suggest that this variant may not impact RNA splicing. To our knowledge, functional studies have not been performed for this variant. This variant has not been reported in individuals affected with hereditary cancer in the literature. This variant has not been identified in the general population by the Genome Aggregation Database (gnomAD). The available evidence is insufficient to determine the role of this variant in disease conclusively. Therefore, this variant is classified as a Variant of Uncertain Significance.

Literature cited by the submitters: PubMed 31911673 (cited by Quest Diagnostics Nichols Institute San Juan Capistrano).

NM_000059.4(BRCA2):c.4603G>A (p.Ala1535Thr)

Gene: BRCA2 (BRCA2 DNA repair associated; plus strand). Cytogenetic location: 13q13.1.
Variant type: single nucleotide variant.
Coding change: c.4603G>A on transcript NM_000059.4 (MANE Select); coding-DNA position 4603, G replaced by A.
Protein change: p.Ala1535Thr; replaces alanine 1535 with threonine.
Molecular consequence: missense variant.
Genome position (GRCh38, 1-based): chr13:32,338,958, G>A. VCF-style: chr13-32338958-G-A. GRCh37 (hg19) VCF-style: chr13-32913095-G-A.
Other names: short protein forms A1535T.
Identifiers: ClinVar variation 919712 (VCV000919712.7), dbSNP rs2072508845, ClinGen allele CA387781978.